The following is an entry in ClinVar:

ClinVar aggregate classification (germline): Benign/Likely benign. Review status: criteria provided, multiple submitters, no conflicts (2 of 4 stars). 6 submissions from 6 submitters: Benign (2); Likely benign (2). 2 of the submissions do not count toward it. Last evaluated 2024-11-26.

Conditions:
Autosomal recessive spinocerebellar ataxia 15. Also called: SALIH ATAXIA. Identifiers: Orphanet 404499, MedGen C3810326, MONDO:0014311, OMIM 615705.

Allele frequency attached by ClinVar (database versions not stated): 1000 Genomes Project 30x 0.00750; 1000 Genomes Project 0.00879; TOPMed 0.01188; gnomAD 0.01288 and 0.01298; ESP Exome Variant Server 0.01382; ExAC 0.01524; gnomAD exomes 0.01567.
gnomAD v4.1: 26,674 of 1,614,114 alleles (1.7%); highest among the groups gnomAD compares: Middle Eastern, 2.2%; 269 homozygotes.

Submissions (6):

Blueprint Genetics
Classification: Likely benign. Last evaluated: 2024-11-26. Review status: criteria provided, single submitter. Criteria: ACMG Guidelines, 2015. Collection method: clinical testing. Allele origin: germline.

Molecular Genetics, Royal Melbourne Hospital
Classification: Benign for Autosomal recessive spinocerebellar ataxia 15. Last evaluated: 2023-06-15. Review status: criteria provided, single submitter. Criteria: ACMG Guidelines, 2015. Collection method: clinical testing. Allele origin: germline. Inheritance: Autosomal recessive inheritance. Affected: no.

Mayo Clinic Laboratories, Mayo Clinic
Classification: Benign. Last evaluated: 2023-04-07. Review status: criteria provided, single submitter. Criteria: ACMG Guidelines, 2015. Collection method: clinical testing. Allele origin: germline. Observed: 21 variant alleles.
Comment: BS1, BS2, BP4

Breakthrough Genomics
Classification: Likely benign. Review status: criteria provided, single submitter. Criteria: ACMG Guidelines, 2015. Collection method: not provided. Allele origin: germline. Inheritance: Autosomal recessive inheritance. Affected: yes.

Diagnostic Laboratory, Department of Genetics, University Medical Center Groningen
Classification: Benign. Review status: no assertion criteria provided. Collection method: clinical testing. Allele origin: germline. Affected: yes. Study: VKGL Data-share Consensus. Not counted in ClinVar's aggregate classification.

Laboratory of Diagnostic Genome Analysis, Leiden University Medical Center (LUMC)
Classification: Likely benign. Review status: no assertion criteria provided. Collection method: clinical testing. Allele origin: germline. Affected: yes. Study: VKGL Data-share Consensus. Not counted in ClinVar's aggregate classification.

NM_014687.4(RUBCN):c.2126C>T (p.Thr709Met)

Gene: RUBCN (rubicon autophagy regulator; minus strand). Cytogenetic location: 3q29.
Variant type: single nucleotide variant.
Coding change: c.2126C>T on transcript NM_014687.4 (MANE Select); coding-DNA position 2126, C replaced by T.
Protein change: p.Thr709Met; replaces threonine 709 with methionine.
Molecular consequence: missense variant.
Genome position (GRCh38, 1-based): chr3:197,682,470, G>A on the plus strand (C>T on the coding strand, the complement: RUBCN is on the minus strand). VCF-style: chr3-197682470-G-A. GRCh37 (hg19) VCF-style: chr3-197409341-G-A.
Other names: p.Thr664Met; c.1991C>T, p.Thr664Met (NM_001145642.5); c.2243C>T, p.Thr748Met (NM_001346873.2); c.1991C>T (NM_001145642.4); short protein forms T664M, T709M, T748M.
Identifiers: ClinVar variation 1175170 (VCV001175170.8), dbSNP rs35071969, ClinGen allele CA2786690.
Genomic context (GRCh38, chr3:197,682,470, plus strand): 5'-CCCTGACAATCCAAAGAGGACGGATCTGTGCTCCAAAGGGCACAGACACTGGCCACTCAC[G>A]TTGGGGCTGGATGAACATTAAAAATTATCTGAGGCCGGGGCGGGGCCCACTCCAAGTTGC-3'
Protein context (NP_055502.1, residues 699-719): QIIFNVHPAP[Thr709Met]RKIAVAKQNY